The following is an entry in ClinVar:

ClinVar aggregate classification (germline): Likely pathogenic (1 of 4 stars; one submission).

Conditions:
PROC-related disorder. Also called: PROC-related condition.

Submission:

PreventionGenetics, part of Exact Sciences
Classification: Likely pathogenic for PROC-related condition. Last evaluated: 2022-09-26. Review status: criteria provided, single submitter. Criteria: ACMG Guidelines, 2015. Collection method: clinical testing. Allele origin: germline.
Comment: The PROC c.679-2A>G variant is predicted to disrupt the AG splice acceptor site and interfere with normal splicing. To our knowledge, this variant has not been reported in the literature or in a large population database, indicating this variant is rare. Variants that disrupt the consensus splice acceptor site in PROC are expected to be pathogenic. This variant is interpreted as likely pathogenic.

NM_000312.4(PROC):c.679-2A>G

Gene: PROC (protein C, inactivator of coagulation factors Va and VIIIa; plus strand). Cytogenetic location: 2q14.3.
Variant type: single nucleotide variant.
Coding change: c.679-2A>G on transcript NM_000312.4 (MANE Select); the canonical splice acceptor site of the intron before coding-DNA position 679, A replaced by G.
Molecular consequence: splice acceptor variant.
Genome position (GRCh38, 1-based): chr2:127,427,103, A>G. VCF-style: chr2-127427103-A-G. GRCh37 (hg19) VCF-style: chr2-128184679-A-G.
Other names: c.679-2A>G (NM_001375611.1, NM_001375613.1); c.862-2A>G (NM_001375602.1); c.865-2A>G (NM_001375607.1); c.781-2A>G (NM_001375605.1); c.622-2A>G (NM_001375608.1); c.673-2A>G (NM_001375610.1); c.847-2A>G (NM_001375606.1); c.844-2A>G (NM_001375603.1); and 2 more.
Identifiers: ClinVar variation 2637220 (VCV002637220.1), dbSNP rs2468365970, ClinGen allele CA348401955.